The following is an entry in ClinVar:

ClinVar aggregate classification (germline): Conflicting classifications of pathogenicity. Review status: criteria provided, conflicting classifications (1 of 4 stars). 3 submissions from 3 submitters: Uncertain significance (1); Benign (2). Last evaluated 2026-01-28.

Conditions:
Inborn genetic diseases. Identifiers: MedGen C0950123, MeSH D030342.

Allele frequency attached by ClinVar (database versions not stated): 1000 Genomes Project 0.00220; 1000 Genomes Project 30x 0.00234; gnomAD 0.00264 and 0.00291; TOPMed 0.00332; ESP Exome Variant Server 0.00165.

Submissions (3):

Labcorp Genetics (formerly Invitae), Labcorp
Classification: Benign. Last evaluated: 2026-01-28. Review status: criteria provided, single submitter. Criteria: Invitae Variant Classification Sherloc (09022015). Collection method: clinical testing. Allele origin: germline.

Ambry Genetics
Classification: Uncertain significance for Inborn genetic diseases. Last evaluated: 2024-06-13. Review status: criteria provided, single submitter. Criteria: Ambry Variant Classification Scheme 2023. Collection method: clinical testing. Allele origin: germline.

GeneDx
Classification: Benign. Last evaluated: 2015-06-23. Review status: criteria provided, single submitter. Criteria: GeneDx Variant Classification (06012015). Collection method: clinical testing. Allele origin: germline. Affected: yes.
Comment: This variant is considered likely benign or benign based on one or more of the following criteria: it is a conservative change, it occurs at a poorly conserved position in the protein, it is predicted to be benign by multiple in silico algorithms, and/or has population frequency not consistent with disease.

NM_213595.4(ISCU):c.52C>A (p.Leu18Met)

Gene: ISCU (iron-sulfur cluster assembly enzyme; plus strand). Cytogenetic location: 12q23.3.
Variant type: single nucleotide variant.
Coding change: c.52C>A on transcript NM_213595.4 (MANE Select); coding-DNA position 52, C replaced by A.
Protein change: p.Leu18Met; replaces leucine 18 with methionine.
Molecular consequence: missense variant. On other transcripts: 5 prime UTR variant (1), non-coding transcript variant (1).
Genome position (GRCh38, 1-based): chr12:108,562,674, C>A. VCF-style: chr12-108562674-C-A. GRCh37 (hg19) VCF-style: chr12-108956450-C-A.
Other names: c.52C>A, p.Leu18Met (NM_001301140.1, NM_001301141.1, NM_001320042.1); c.-120C>A (NM_014301.4); short protein forms L18M.
Identifiers: ClinVar variation 377979 (VCV000377979.10), dbSNP rs142514490, ClinGen allele CA6768711.